The following is an entry in ClinVar:

NM_001042681.2(RERE):c.3921G>T (p.Arg1307=)

Gene: RERE (arginine-glutamic acid dipeptide repeats; minus strand). Cytogenetic location: 1p36.23.
Variant type: single nucleotide variant.
Coding change: c.3921G>T on transcript NM_001042681.2 (MANE Select); coding-DNA position 3921, G replaced by T.
Protein change: p.Arg1307=; no amino-acid change (arginine 1307 retained).
Molecular consequence: synonymous variant.
Genome position (GRCh38, 1-based): chr1:8,358,614, C>A on the plus strand (G>T on the coding strand, the complement: RERE is on the minus strand). VCF-style: chr1-8358614-C-A. GRCh37 (hg19) VCF-style: chr1-8418674-C-A.
Other names: c.2259G>T, p.Arg753= (NM_001042682.2); c.3921G>T, p.Arg1307= (NM_012102.4).
Identifiers: ClinVar variation 3025620 (VCV003025620.23), dbSNP rs540058814, ClinGen allele CA17691116.

ClinVar aggregate classification (germline): Likely benign. Review status: criteria provided, multiple submitters, no conflicts (2 of 4 stars). 2 submissions from 2 submitters: Likely benign (2). Last evaluated 2025-05-05.

Allele frequency attached by ClinVar (database versions not stated): gnomAD exomes below 0.00001; 1000 Genomes Project 0.00040.
gnomAD v4.1: 1 of 1,595,236 alleles (0.000063%); highest among the groups gnomAD compares: Non-Finnish European, 0.000085%; no homozygotes.

Submissions (2):

Labcorp Genetics (formerly Invitae), Labcorp
Classification: Likely benign. Last evaluated: 2025-05-05. Review status: criteria provided, single submitter. Criteria: Invitae Variant Classification Sherloc (09022015). Collection method: clinical testing. Allele origin: germline.

CeGaT Center for Human Genetics Tuebingen
Classification: Likely benign. Last evaluated: 2025-05-01. Review status: criteria provided, single submitter. Criteria: CeGaT Center For Human Genetics Tuebingen Variant Classification Criteria Version 2. Collection method: clinical testing. Allele origin: germline. Affected: yes. Observed: 2 variant alleles.
Comment: RERE: BP4, BP7